The following is an entry in ClinVar:

ClinVar aggregate classification (germline): Uncertain significance (1 of 4 stars; one submission).

gnomAD v4.1: 4 of 1,612,722 alleles (0.00025%); highest among the groups gnomAD compares: Admixed American, 0.005%; no homozygotes.

Submission:

Labcorp Genetics (formerly Invitae), Labcorp
Classification: Uncertain significance. Last evaluated: 2024-11-28. Review status: criteria provided, single submitter. Criteria: Invitae Variant Classification Sherloc (09022015). Collection method: clinical testing. Allele origin: germline.
Comment: This sequence change replaces aspartic acid, which is acidic and polar, with tyrosine, which is neutral and polar, at codon 138 of the SLC26A1 protein (p.Asp138Tyr). This variant is present in population databases (rs776142577, gnomAD 0.01%). This variant has not been reported in the literature in individuals affected with SLC26A1-related conditions. Invitae Evidence Modeling of protein sequence and biophysical properties (such as structural, functional, and spatial information, amino acid conservation, physicochemical variation, residue mobility, and thermodynamic stability) indicates that this missense variant is not expected to disrupt SLC26A1 protein function with a negative predictive value of 80%. In summary, the available evidence is currently insufficient to determine the role of this variant in disease. Therefore, it has been classified as a Variant of Uncertain Significance.

NM_022042.4(SLC26A1):c.412G>T (p.Asp138Tyr)

Genes: IDUA (alpha-L-iduronidase; plus strand), SLC26A1 (solute carrier family 26 member 1; minus strand). Cytogenetic location: 4p16.3.
Variant type: single nucleotide variant.
Coding change: c.412G>T on transcript NM_022042.4 (MANE Select); coding-DNA position 412, G replaced by T.
Protein change: p.Asp138Tyr; replaces aspartic acid 138 with tyrosine.
Molecular consequence: missense variant. On other transcripts: intron variant (1).
Genome position (GRCh38, 1-based): chr4:991,292, C>A on the plus strand (G>T on the coding strand, the complement: SLC26A1 is on the minus strand). VCF-style: chr4-991292-C-A. GRCh37 (hg19) VCF-style: chr4-985080-C-A.
Other names: c.412G>T, p.Asp138Tyr (NM_134425.4, NM_213613.4); c.299+3343C>A (NM_000203.5); short protein forms D138Y.
Identifiers: ClinVar variation 3616196 (VCV003616196.2).